The following is an entry in ClinVar:

NM_001322934.2(NFKB2):c.1832G>A (p.Arg611Gln)

Gene: NFKB2 (nuclear factor kappa B subunit 2; plus strand). Cytogenetic location: 10q24.32.
Variant type: single nucleotide variant.
Coding change: c.1832G>A on transcript NM_001322934.2 (MANE Select); coding-DNA position 1832, G replaced by A.
Protein change: p.Arg611Gln; replaces arginine 611 with glutamine.
Molecular consequence: missense variant.
Genome position (GRCh38, 1-based): chr10:102,400,688, G>A. VCF-style: chr10-102400688-G-A. GRCh37 (hg19) VCF-style: chr10-104160445-G-A.
Other names: c.1832G>A, p.Arg611Gln (NM_001077494.3, NM_001261403.3, NM_001288724.1 and 1 more transcripts); c.1706G>A, p.Arg569Gln (NM_001322935.1); c.1832G>A (NM_001077494.1); short protein forms R569Q, R611Q.
Identifiers: ClinVar variation 839435 (VCV000839435.10), dbSNP rs766330104, ClinGen allele CA5664907.

ClinVar aggregate classification (germline): Uncertain significance. Review status: criteria provided, multiple submitters, no conflicts (2 of 4 stars). 2 submissions from 2 submitters: Uncertain significance (2). Last evaluated 2025-12-26.

Conditions:
Inborn genetic diseases. Identifiers: MedGen C0950123, MeSH D030342.
Immunodeficiency, common variable, 10. Also called: IMMUNODEFICIENCY, COMMON VARIABLE, WITH CENTRAL ADRENAL INSUFFICIENCY; DEFICIT IN ANTERIOR PITUITARY FUNCTION AND VARIABLE IMMUNODEFICIENCY. Identifiers: MedGen C3809991, MONDO:0014260, OMIM 615577.

Allele frequency attached by ClinVar (database versions not stated): gnomAD 0.00001; gnomAD exomes 0.00001; TOPMed 0.00001; ExAC 0.00002.
gnomAD v4.1: 16 of 1,613,934 alleles (0.00099%); highest among the groups gnomAD compares: South Asian, 0.0055%; no homozygotes.

Submissions (2):

Labcorp Genetics (formerly Invitae), Labcorp
Classification: Uncertain significance for Immunodeficiency, common variable, 10. Last evaluated: 2025-12-26. Review status: criteria provided, single submitter. Criteria: Invitae Variant Classification Sherloc (09022015). Collection method: clinical testing. Allele origin: germline.
Comment: This sequence change replaces arginine, which is basic and polar, with glutamine, which is neutral and polar, at codon 611 of the NFKB2 protein (p.Arg611Gln). This variant is present in population databases (rs766330104, gnomAD 0.003%). This variant has not been reported in the literature in individuals affected with NFKB2-related conditions. ClinVar contains an entry for this variant (Variation ID: 839435). An algorithm developed to predict the effect of missense changes on protein structure and function (PolyPhen-2) suggests that this variant is likely to be disruptive. In summary, the available evidence is currently insufficient to determine the role of this variant in disease. Therefore, it has been classified as a Variant of Uncertain Significance.

Ambry Genetics
Classification: Uncertain significance for Inborn genetic diseases. Last evaluated: 2025-07-02. Review status: criteria provided, single submitter. Criteria: Ambry Variant Classification Scheme 2023. Collection method: clinical testing. Allele origin: germline.